The following is an entry in ClinVar:

NM_006514.4(SCN10A):c.4348G>T (p.Gly1450Cys)

Gene: SCN10A (sodium voltage-gated channel alpha subunit 10; minus strand). Cytogenetic location: 3p22.2.
Variant type: single nucleotide variant.
Coding change: c.4348G>T on transcript NM_006514.4 (MANE Select); coding-DNA position 4348, G replaced by T.
Protein change: p.Gly1450Cys; replaces glycine 1450 with cysteine.
Molecular consequence: missense variant.
Genome position (GRCh38, 1-based): chr3:38,707,317, C>A on the plus strand (G>T on the coding strand, the complement: SCN10A is on the minus strand). VCF-style: chr3-38707317-C-A. GRCh37 (hg19) VCF-style: chr3-38748808-C-A.
Other names: c.4345G>T, p.Gly1449Cys (NM_001293306.2); c.4054G>T, p.Gly1352Cys (NM_001293307.2); short protein forms G1449C, G1450C, G1352C.
Identifiers: ClinVar variation 5029085 (VCV005029085.1).

ClinVar aggregate classification (germline): Uncertain significance (1 of 4 stars; one submission).

Conditions:
Cardiovascular phenotype. Identifiers: MedGen CN230736.

Submission:

Ambry Genetics
Classification: Uncertain significance for Cardiovascular phenotype. Last evaluated: 2026-07-17. Review status: criteria provided, single submitter. Criteria: Ambry Variant Classification Scheme 2023. Collection method: clinical testing. Allele origin: germline.
Comment: The p.G1450C variant (also known as c.4348G>T), located in coding exon 25 of the SCN10A gene, results from a G to T substitution at nucleotide position 4348. The glycine at codon 1450 is replaced by cysteine, an amino acid with highly dissimilar properties. This amino acid position is conserved. In addition, this alteration is predicted to be deleterious by in silico analysis. Based on the available evidence, the clinical significance of this variant remains unclear.